The following is an entry in ClinVar:

NM_144631.6(ZNF513):c.169_174dup (p.Asn58_Ser59insGlyAsn)

Gene: ZNF513 (zinc finger protein 513; minus strand). Cytogenetic location: 2p23.3.
Variant type: Duplication.
Coding change: c.169_174dup on transcript NM_144631.6 (MANE Select); coding-DNA positions 169 to 174, 6 bases duplicated (GGCAAC; older notation c.169_174dupGGCAAC).
Protein change: p.Asn58_Ser59insGlyAsn.
Molecular consequence: inframe insertion. On other transcripts: 5 prime UTR variant (1).
Genome position (GRCh38, 1-based): chr2:27,380,130-27,380,135, GTTGCC duplicated on the plus strand (GGCAAC on the coding strand, the reverse complement: ZNF513 is on the minus strand); duplicating any 6 consecutive bases within chr2:27,380,130-27,380,137 gives the same sequence; the c. name uses the placement nearest the transcript's 3' end. VCF-style (leftmost placement, unchanged base first): chr2-27380129-T-TGTTGCC. GRCh37 (hg19) VCF-style: chr2-27602996-T-TGTTGCC.
Other names: c.-18_-13dup (NM_001201459.2).
Identifiers: ClinVar variation 2990060 (VCV002990060.3), dbSNP rs2465629198, ClinGen allele CA2525497580.
Genomic context (GRCh38, chr2:27,380,129, plus strand): 5'-CTTAACCAAGACCCGAAAACCCACCTTCCGAGTCTCTCTCGAAGCCCATGAGCTGGTCAC[T>TGTTGCC]GTTGCCGTCGCCTTCCTCCTCTTCCTCTTCCTCCTCAAACTCCAGATCCTGGCCTAGTAG-3'

ClinVar aggregate classification (germline): Uncertain significance (1 of 4 stars; one submission).

Submission:

Labcorp Genetics (formerly Invitae), Labcorp
Classification: Uncertain significance. Last evaluated: 2023-08-15. Review status: criteria provided, single submitter. Criteria: Invitae Variant Classification Sherloc (09022015). Collection method: clinical testing. Allele origin: germline.
Comment: This variant, c.169_174dup, results in the insertion of 2 amino acid(s) of the ZNF513 protein (p.Gly57_Asn58dup), but otherwise preserves the integrity of the reading frame. This variant is not present in population databases (gnomAD no frequency). This variant has not been reported in the literature in individuals affected with ZNF513-related conditions. In summary, the available evidence is currently insufficient to determine the role of this variant in disease. Therefore, it has been classified as a Variant of Uncertain Significance.